The following is an entry in ClinVar:

ClinVar aggregate classification (germline): Likely pathogenic (1 of 4 stars; one submission).

Conditions:
Autosomal recessive nonsyndromic hearing loss 23. Identifiers: Orphanet 90636, MedGen C1836027, MONDO:0012293, OMIM 609533.
Usher syndrome type 1F (USH1F). Also called: USHER SYNDROME, TYPE IF. Identifiers: Orphanet 231169, Orphanet 886, MedGen C1865885, MONDO:0011186, OMIM 602083.

Submission:

First Genomix Gene Laboratory, Genetic Diagnostics Department
Classification: Likely pathogenic for Autosomal recessive nonsyndromic hearing loss 23; Usher syndrome type 1F. Last evaluated: 2025-01-22. Review status: criteria provided, single submitter. Criteria: ACMG Guidelines, 2015. Collection method: clinical testing. Allele origin: germline. Inheritance: Autosomal recessive inheritance. Affected: no. Observed: 1 variant allele.

NM_033056.4(PCDH15):c.4954_4955del (p.Gln1652fs)

Gene: PCDH15 (protocadherin related 15; minus strand). Cytogenetic location: 10q21.1.
Variant type: Deletion.
Coding change: c.4954_4955del on transcript NM_033056.4 (MANE Plus Clinical); coding-DNA positions 4954 to 4955, 2 bases deleted (CA; older notation c.4954_4955delCA).
Protein change: p.Gln1652fs; shifts the reading frame from glutamine 1652.
Molecular consequence: frameshift variant. On other transcripts: intron variant (8).
Genome position (GRCh38, 1-based): chr10:53,822,771-53,822,772, TG deleted on the plus strand (CA on the coding strand, the reverse complement: PCDH15 is on the minus strand); deleting any 2 consecutive bases within chr10:53,822,771-53,822,773 gives the same sequence; the c. name uses the placement nearest the transcript's 3' end. VCF-style (leftmost placement, unchanged base first): chr10-53822770-CTG-C. GRCh37 (hg19) VCF-style: chr10-55582530-CTG-C.
Other names: c.4975_4976del, p.Gln1659fs (NM_001142763.2); c.4960_4961del, p.Gln1654fs (NM_001142764.2); c.4747_4748del, p.Gln1583fs (NM_001142765.2); c.4945_4946del, p.Gln1649fs (NM_001142766.2); c.4834_4835del, p.Gln1612fs (NM_001142767.2); c.4894_4895del, p.Gln1632fs (NM_001142768.2); c.4885_4886del, p.Gln1629fs (NM_001142773.2); c.4888_4889del, p.Gln1630fs (NM_001354404.2); and 7 more; short protein forms Q1583fs, Q1612fs, Q1629fs, Q1630fs, Q1632fs, Q1649fs, Q1652fs, Q1654fs.
Identifiers: ClinVar variation 4845726 (VCV004845726.1).
Genomic context (GRCh38, chr10:53,822,770, plus strand): 5'-GGAGAATGAGAAGTGAGGCCTGGGAAAGCAAAATGAAGAGTCTGAAGAGAGAGATTTCAA[CTG>C]TTCTGTTCCTTCTATCATCAGTGTTTCACCTTGCCTTATTTCCTCTTTCTCTGTCAAATT-3'